The following is an entry in ClinVar:

NM_001376.5(DYNC1H1):c.9607G>A (p.Val3203Met)

Gene: DYNC1H1 (dynein cytoplasmic 1 heavy chain 1; plus strand). Cytogenetic location: 14q32.31.
Variant type: single nucleotide variant.
Coding change: c.9607G>A on transcript NM_001376.5 (MANE Select); coding-DNA position 9607, G replaced by A.
Protein change: p.Val3203Met; replaces valine 3203 with methionine.
Molecular consequence: missense variant.
Genome position (GRCh38, 1-based): chr14:102,029,677, G>A. VCF-style: chr14-102029677-G-A. GRCh37 (hg19) VCF-style: chr14-102496014-G-A.
Other names: short protein forms V3203M.
Identifiers: ClinVar variation 565727 (VCV000565727.13), dbSNP rs1567017825, ClinGen allele CA391016206.
Genomic context (GRCh38, chr14:102,029,677, plus strand): 5'-TATGCCAACCTGTTCCACGAGAAGCGGAGCGAGCTGGAGGAGCAGCAGATGCACTTGAAC[G>A]TGGGGCTCAGGAAGATCAAAGAGACAGTCGACCAGGTGCGTCACAGGCACAAATTCCTCA-3'
Protein context (NP_001367.2, residues 3193-3213): ELEEQQMHLN[Val3203Met]GLRKIKETVD

ClinVar aggregate classification (germline): Uncertain significance. Review status: criteria provided, multiple submitters, no conflicts (2 of 4 stars). 3 submissions from 3 submitters: Uncertain significance (3). Last evaluated 2020-06-22.

Conditions:
Autosomal dominant childhood-onset proximal spinal muscular atrophy without contractures. Also called: KUGELBERG-WELANDER SYNDROME, AUTOSOMAL DOMINANT; SPINAL MUSCULAR ATROPHY, JUVENILE, PROXIMAL, AUTOSOMAL DOMINANT; Spinal muscular atrophy, lower extremity-predominant 1, AD; SPINAL MUSCULAR ATROPHY, CHILDHOOD, PROXIMAL, AUTOSOMAL DOMINANT. Identifiers: Orphanet 209341, Orphanet 363447, MedGen C5780022, MONDO:0008026, OMIM 158600.
Charcot-Marie-Tooth disease axonal type 2O. Also called: Charcot-Marie-Tooth disease, axonal, type 20; CHARCOT-MARIE-TOOTH NEUROPATHY, AXONAL, TYPE 2O; CHARCOT-MARIE-TOOTH DISEASE, AXONAL, AUTOSOMAL DOMINANT, TYPE 2O; Charcot-Marie-Tooth Neuropathy Type 2O. Identifiers: Orphanet 284232, MedGen C3280220, MONDO:0013644, OMIM 614228.
Cortical dysplasia, complex, with other brain malformations 13. Also called: Intellectual disability, autosomal dominant 13. Identifiers: MedGen C3281202, MONDO:0013805, OMIM 614563.
Inborn genetic diseases. Identifiers: MedGen C0950123, MeSH D030342.

Allele frequency attached by ClinVar (database versions not stated): gnomAD exomes below 0.00001.
gnomAD v4.1: 1 of 1,614,212 alleles (0.000062%); highest among the groups gnomAD compares: Non-Finnish European, 0.000085%; no homozygotes.

Submissions (3):

Ambry Genetics
Classification: Uncertain significance for Inborn genetic diseases. Last evaluated: 2020-06-22. Review status: criteria provided, single submitter. Criteria: Ambry Variant Classification Scheme 2023. Collection method: clinical testing. Allele origin: germline.
Comment: The alteration results in an amino acid change:_x000D_ _x000D_ The c.9607G>A (p.V3203M) alteration is located in exon 49 (coding exon 49) of the DYNC1H1 gene. This alteration results from a G to A substitution at nucleotide position 9607, causing the valine (V) at amino acid position 3203 to be replaced by a methionine (M). The alteration is not observed in population databases:_x000D_ _x000D_ Based on data from the Genome Aggregation Database (gnomAD), the DYNC1H1 c.9607G>A alteration was not observed, with coverage at this position. The altered amino acid is conserved throughout evolution:_x000D_ _x000D_ The p.V3203 amino acid is conserved in available vertebrate species. The alteration is predicted inconclusive by in silico modeling:_x000D_ _x000D_ The in silico prediction for the p.V3203M alteration is inconclusive. Based on insufficient or conflicting evidence, the clinical significance of this alteration remains unclear.

Fulgent Genetics
Classification: Uncertain significance for Autosomal dominant childhood-onset proximal spinal muscular atrophy without contractures; Charcot-Marie-Tooth disease axonal type 2O; Cortical dysplasia, complex, with other brain malformations 13. Last evaluated: 2018-10-31. Review status: criteria provided, single submitter. Criteria: ACMG Guidelines, 2015. Collection method: clinical testing. Allele origin: unknown.

Labcorp Genetics (formerly Invitae), Labcorp
Classification: Uncertain significance for Charcot-Marie-Tooth disease axonal type 2O. Last evaluated: 2018-05-21. Review status: criteria provided, single submitter. Criteria: Invitae Variant Classification Sherloc (09022015). Collection method: clinical testing. Allele origin: germline.
Comment: In summary, the available evidence is currently insufficient to determine the role of this variant in disease. Therefore, it has been classified as a Variant of Uncertain Significance. Algorithms developed to predict the effect of missense changes on protein structure and function are either unavailable or do not agree on the potential impact of this missense change (SIFT: "Deleterious"; PolyPhen-2: "Probably Damaging"; Align-GVGD: "Class C0"). This variant has not been reported in the literature in individuals with DYNC1H1-related disease. This variant is not present in population databases (ExAC no frequency). This sequence change replaces valine with methionine at codon 3203 of the DYNC1H1 protein (p.Val3203Met). The valine residue is highly conserved and there is a small physicochemical difference between valine and methionine.